The following is an entry in ClinVar:

NM_001134232.2(TMEM106B):c.653C>G (p.Ser218Cys)

Gene: TMEM106B (transmembrane protein 106B; plus strand). Cytogenetic location: 7p21.3.
Variant type: single nucleotide variant.
Coding change: c.653C>G on transcript NM_001134232.2 (MANE Select); coding-DNA position 653, C replaced by G.
Protein change: p.Ser218Cys; replaces serine 218 with cysteine.
Molecular consequence: missense variant.
Genome position (GRCh38, 1-based): chr7:12,231,082, C>G. VCF-style: chr7-12231082-C-G. GRCh37 (hg19) VCF-style: chr7-12270708-C-G.
Other names: c.653C>G, p.Ser218Cys (NM_018374.4); short protein forms S218C.
Identifiers: ClinVar variation 3234816 (VCV003234816.20), dbSNP rs1562709540, ClinGen allele CA366858008.

ClinVar aggregate classification (germline): Uncertain significance (1 of 4 stars; one submission).

Submission:

CeGaT Center for Human Genetics Tuebingen
Classification: Uncertain significance. Last evaluated: 2024-04-01. Review status: criteria provided, single submitter. Criteria: CeGaT Center For Human Genetics Tuebingen Variant Classification Criteria Version 2. Collection method: clinical testing. Allele origin: germline. Affected: yes. Observed: 1 variant allele.
Comment: TMEM106B: PM2, BP4